The following is an entry in ClinVar:

ClinVar aggregate classification (germline): Pathogenic (1 of 4 stars; one submission).

Conditions:
Dilated cardiomyopathy 1J (CMD1J). Also called: CARDIOMYOPATHY, DILATED, WITH SENSORINEURAL HEARING LOSS, AUTOSOMAL DOMINANT. Identifiers: Orphanet 217622, MedGen C1854368, MONDO:0011541, OMIM 605362.

Submission:

Labcorp Genetics (formerly Invitae), Labcorp
Classification: Pathogenic for Dilated cardiomyopathy 1J. Last evaluated: 2024-07-30. Review status: criteria provided, single submitter. Criteria: Invitae Variant Classification Sherloc (09022015). Collection method: clinical testing. Allele origin: germline.
Comment: This sequence change creates a premature translational stop signal (p.Gly113*) in the EYA4 gene. It is expected to result in an absent or disrupted protein product. Loss-of-function variants in EYA4 are known to be pathogenic (PMID: 11159937, 25781927, 25963406). This variant is not present in population databases (gnomAD no frequency). This variant has not been reported in the literature in individuals affected with EYA4-related conditions. For these reasons, this variant has been classified as Pathogenic.

Literature cited by the submitters: PubMed 11159937; PubMed 25781927; PubMed 25963406.

NM_004100.5(EYA4):c.337_350del (p.Thr112_Gly113insTer)

Gene: EYA4 (EYA transcriptional coactivator and phosphatase 4; plus strand). Cytogenetic location: 6q23.2.
Variant type: Deletion.
Coding change: c.337_350del on transcript NM_004100.5 (MANE Select); coding-DNA positions 337 to 350, 14 bases deleted (GGAGATGGAGCGCT).
Protein change: p.Thr112_Gly113insTer.
Molecular consequence: nonsense. On other transcripts: intron variant (2).
Genome position (GRCh38, 1-based): chr6:133,456,615-133,456,628, GGAGATGGAGCGCT deleted; deleting any 14 consecutive bases within chr6:133,456,613-133,456,628 gives the same sequence; the c. name uses the placement nearest the transcript's 3' end. VCF-style (leftmost placement, unchanged base first): chr6-133456612-ACTGGAGATGGAGCG-A. GRCh37 (hg19) VCF-style: chr6-133777750-ACTGGAGATGGAGCG-A.
Other names: c.337_350del, p.Thr112_Gly113insTer (NM_001301013.2, NM_172105.4); c.268_281del, p.Thr89_Gly90insTer (NM_001370458.1, NM_172103.4); c.209-4499_209-4486del (NM_001370459.1, NM_001301012.2).
Identifiers: ClinVar variation 3668390 (VCV003668390.2).